The following is an entry in ClinVar:

ClinVar aggregate classification (germline): Uncertain significance (1 of 4 stars; one submission).

Conditions:
Mitochondrial complex I deficiency, nuclear type 16. Also called: Mitochondrial complex 1 deficiency, nuclear type 16. Identifiers: MedGen C4748785, MONDO:0032621, OMIM 618238.

Allele frequency attached by ClinVar (database versions not stated): gnomAD exomes below 0.00001.
gnomAD v4.1: 1 of 1,581,892 alleles (0.000063%); highest among the groups gnomAD compares: Non-Finnish European, 0.000087%; no homozygotes.

Submission:

Neuberg Centre For Genomic Medicine, NCGM
Classification: Uncertain significance for Mitochondrial complex I deficiency, nuclear type 16. Review status: criteria provided, single submitter. Criteria: ACMG Guidelines, 2015. Collection method: clinical testing. Allele origin: germline. Affected: yes.
Comment: The splice region variant c.327+3A>G in NDUFAF5 (NM_024120.4) has not been reported previously as a pathogenic variant nor as a benign variant, to our knowledge. The c.327+3A>G variant is novel (not in any individuals) in gnomAD Exomes and is novel (not in any individuals) in 1000 Genomes. The nucleotide c.327+3A>G in NDUF AF5 is predicted conserved by GERP++ and PhyloP across 100 vertebrates. For these reasons, this variant has been classified as Uncertain Significance

NM_024120.5(NDUFAF5):c.327+3A>G

Gene: NDUFAF5 (NADH:ubiquinone oxidoreductase complex assembly factor 5; plus strand). Cytogenetic location: 20p12.1.
Variant type: single nucleotide variant.
Coding change: c.327+3A>G on transcript NM_024120.5 (MANE Select); 3 bases into the intron after coding-DNA position 327, A replaced by G.
Molecular consequence: intron variant.
Genome position (GRCh38, 1-based): chr20:13,788,655, A>G. VCF-style: chr20-13788655-A-G. GRCh37 (hg19) VCF-style: chr20-13769301-A-G.
Other names: c.-235+3A>G (NM_001352407.2); c.-255+3A>G (NM_001352406.2); c.327+3A>G (NM_001039375.3, NM_001352408.2); c.-41+3A>G (NM_001352403.2).
Identifiers: ClinVar variation 1878664 (VCV001878664.1), dbSNP rs1981641610, ClinGen allele CA2580097893.
Genomic context (GRCh38, chr20:13,788,655, plus strand): 5'-CCCCCTTGCTTTGGATCTTGGTTGTGGAAGAGGTTACATTGCACAATATTTGAATAAGGT[A>G]TATTTATTCAATGACCTAATTTACTTTGAAAAGTAACATTGGCTAATTTTAAAGAAAGAC-3'